The following is an entry in ClinVar:

ClinVar aggregate classification (germline): Uncertain significance. Review status: criteria provided, multiple submitters, no conflicts (2 of 4 stars). 4 submissions from 4 submitters: Uncertain significance (4). Last evaluated 2025-06-18.

Conditions:
Inborn genetic diseases. Identifiers: MedGen C0950123, MeSH D030342.
Progressive myoclonic epilepsy. Also called: Familial progressive myoclonic epilepsy; Progressive myoclonus epilepsy; Myoclonic Epilepsies, Progressive; Myoclonus epilepsy. Identifiers: Orphanet 308, Orphanet 98261, MedGen C0751778, MONDO:0020074.
Action myoclonus-renal failure syndrome. Also called: EPILEPSY, PROGRESSIVE MYOCLONIC, 4, WITH RENAL FAILURE; EPILEPSY, PROGRESSIVE MYOCLONIC, 4, WITHOUT RENAL FAILURE; SCARB2-Related Action Myoclonus-Renal Failure Syndrome; MYOCLONUS-NEPHROPATHY SYNDROME. Identifiers: Orphanet 163696, MedGen C0751779, MeSH D020191, MONDO:0009699, OMIM 254900.

Allele frequency attached by ClinVar (database versions not stated): gnomAD exomes below 0.00001; gnomAD 0.00001; TOPMed 0.00001.
gnomAD v4.1: 16 of 1,613,584 alleles (0.00099%); highest among the groups gnomAD compares: Admixed American, 0.0017%; no homozygotes.

Submissions (4):

Ambry Genetics
Classification: Uncertain significance for Inborn genetic diseases. Last evaluated: 2025-06-18. Review status: criteria provided, single submitter. Criteria: Ambry Variant Classification Scheme 2023. Collection method: clinical testing. Allele origin: germline.

Labcorp Genetics (formerly Invitae), Labcorp
Classification: Uncertain significance for Progressive myoclonic epilepsy. Last evaluated: 2021-09-01. Review status: criteria provided, single submitter. Criteria: Invitae Variant Classification Sherloc (09022015). Collection method: clinical testing. Allele origin: germline.
Comment: This sequence change replaces leucine with valine at codon 237 of the SCARB2 protein (p.Leu237Val). The leucine residue is highly conserved and there is a small physicochemical difference between leucine and valine. This variant is not present in population databases (ExAC no frequency). This variant has not been reported in the literature in individuals affected with SCARB2-related conditions. Algorithms developed to predict the effect of missense changes on protein structure and function (SIFT, PolyPhen-2, Align-GVGD) all suggest that this variant is likely to be disruptive. In summary, the available evidence is currently insufficient to determine the role of this variant in disease. Therefore, it has been classified as a Variant of Uncertain Significance.

Revvity Omics, Revvity
Classification: Uncertain significance for Action myoclonus-renal failure syndrome. Last evaluated: 2020-04-08. Review status: criteria provided, single submitter. Criteria: ACMG Guidelines, 2015. Collection method: clinical testing. Allele origin: germline.

GeneDx
Classification: Uncertain significance. Last evaluated: 2019-05-16. Review status: criteria provided, single submitter. Criteria: GeneDx Variant Classification Process June 2021. Collection method: clinical testing. Allele origin: germline. Affected: yes.
Comment: Has not been previously published as pathogenic or benign to our knowledge; Not observed at a significant frequency in large population cohorts (Lek et al., 2016); In silico analysis, which includes protein predictors and evolutionary conservation, supports that this variant does not alter protein structure/function; In-silico analysis, which includes splice predictors and evolutionary conservation, is inconclusive as to whether the variant alters gene splicing. In the absence of RNA/functional studies, the actual effect of this sequence change is unknown.

NM_005506.4(SCARB2):c.709C>G (p.Leu237Val)

Gene: SCARB2 (scavenger receptor class B member 2; minus strand). Cytogenetic location: 4q21.1.
Variant type: single nucleotide variant.
Coding change: c.709C>G on transcript NM_005506.4 (MANE Select); coding-DNA position 709, C replaced by G.
Protein change: p.Leu237Val; replaces leucine 237 with valine.
Molecular consequence: missense variant.
Genome position (GRCh38, 1-based): chr4:76,175,906, G>C on the plus strand (C>G on the coding strand, the complement: SCARB2 is on the minus strand). VCF-style: chr4-76175906-G-C. GRCh37 (hg19) VCF-style: chr4-77097059-G-C.
Other names: c.280C>G, p.Leu94Val (NM_001204255.2); short protein forms L94V, L237V.
Identifiers: ClinVar variation 950433 (VCV000950433.15), dbSNP rs200332825, ClinGen allele CA99890768.